The following is an entry in ClinVar:

ClinVar aggregate classification (germline): Uncertain significance (1 of 4 stars; one submission).

Allele frequency attached by ClinVar (database versions not stated): gnomAD 0.00001; ExAC 0.00001; gnomAD exomes 0.00001; TOPMed 0.00001.
gnomAD v4.1: 13 of 1,613,578 alleles (0.00081%); highest among the groups gnomAD compares: Admixed American, 0.0067%; no homozygotes.

Submission:

Labcorp Genetics (formerly Invitae), Labcorp
Classification: Uncertain significance. Last evaluated: 2025-11-09. Review status: criteria provided, single submitter. Criteria: Invitae Variant Classification Sherloc (09022015). Collection method: clinical testing. Allele origin: germline.
Comment: This sequence change replaces arginine, which is basic and polar, with cysteine, which is neutral and slightly polar, at codon 686 of the C1S protein (p.Arg686Cys). This variant is present in population databases (rs782408713, gnomAD 0.006%). This variant has not been reported in the literature in individuals affected with C1S-related conditions. ClinVar contains an entry for this variant (Variation ID: 2742020). An algorithm developed to predict the effect of missense changes on protein structure and function (PolyPhen-2) suggests that this variant is likely to be tolerated. In summary, the available evidence is currently insufficient to determine the role of this variant in disease. Therefore, it has been classified as a Variant of Uncertain Significance.

NM_001734.5(C1S):c.2056C>T (p.Arg686Cys)

Gene: C1S (complement C1s; plus strand). Cytogenetic location: 12p13.31.
Variant type: single nucleotide variant.
Coding change: c.2056C>T on transcript NM_001734.5 (MANE Select); coding-DNA position 2056, C replaced by T.
Protein change: p.Arg686Cys; replaces arginine 686 with cysteine.
Molecular consequence: missense variant.
Genome position (GRCh38, 1-based): chr12:7,070,640, C>T. VCF-style: chr12-7070640-C-T. GRCh37 (hg19) VCF-style: chr12-7177944-C-T.
Other names: c.1555C>T, p.Arg519Cys (NM_001346850.2); c.2056C>T, p.Arg686Cys (NM_201442.4); short protein forms R519C, R686C.
Identifiers: ClinVar variation 2742020 (VCV002742020.3), dbSNP rs782408713, ClinGen allele CA6423884.
Genomic context (GRCh38, chr12:7,070,640, plus strand): 5'-ACACGGGTAAAGAACTATGTTGACTGGATAATGAAGACTATGCAGGAAAATAGCACCCCC[C>T]GTGAGGACTAATCCAGATACATCCCACCAGCCTCTCCAAGGGTGGTGACCAATGCATTAC-3'
Protein context (NP_001725.1, residues 676-688): MKTMQENSTP[Arg686Cys]ED